The following is an entry in ClinVar:

ClinVar aggregate classification (germline): Uncertain significance (1 of 4 stars; one submission).

Submission:

Labcorp Genetics (formerly Invitae), Labcorp
Classification: Uncertain significance. Last evaluated: 2024-05-31. Review status: criteria provided, single submitter. Criteria: Invitae Variant Classification Sherloc (09022015). Collection method: clinical testing. Allele origin: germline.
Comment: This sequence change replaces glycine, which is neutral and non-polar, with cysteine, which is neutral and slightly polar, at codon 15 of the PSMB4 protein (p.Gly15Cys). This variant is not present in population databases (gnomAD no frequency). This variant has not been reported in the literature in individuals affected with PSMB4-related conditions. An algorithm developed to predict the effect of missense changes on protein structure and function (PolyPhen-2) suggests that this variant is likely to be disruptive. In summary, the available evidence is currently insufficient to determine the role of this variant in disease. Therefore, it has been classified as a Variant of Uncertain Significance.

NM_002796.3(PSMB4):c.43G>T (p.Gly15Cys)

Gene: PSMB4 (proteasome 20S subunit beta 4; plus strand). Cytogenetic location: 1q21.3.
Variant type: single nucleotide variant.
Coding change: c.43G>T on transcript NM_002796.3 (MANE Select); coding-DNA position 43, G replaced by T.
Protein change: p.Gly15Cys; replaces glycine 15 with cysteine.
Molecular consequence: missense variant.
Genome position (GRCh38, 1-based): chr1:151,399,630, G>T. VCF-style: chr1-151399630-G-T. GRCh37 (hg19) VCF-style: chr1-151372106-G-T.
Other names: short protein forms G15C.
Identifiers: ClinVar variation 3607262 (VCV003607262.2).
Genomic context (GRCh38, chr1:151,399,630, plus strand): 5'-TCTGCTACCGTGACTAAGATGGAAGCGTTTTTGGGGTCGCGGTCCGGACTTTGGGCGGGG[G>T]GTCCGGCCCCAGGACAGTTTTACCGCATTCCGTCCACTCCCGATTCCTTCATGGATCCGG-3'
Protein context (NP_002787.2, residues 5-25): LGSRSGLWAG[Gly15Cys]PAPGQFYRIP